The following is an entry in ClinVar:

Conditions:
Breast-ovarian cancer, familial, susceptibility to, 1 (BROVCA1). Also called: BRCA1 Hereditary Breast and Ovarian Cancer; OVARIAN CANCER, SUSCEPTIBILITY TO. Identifiers: Orphanet 145, MedGen C2676676, MONDO:0011450, OMIM 604370. Disease mechanism: loss of function.

gnomAD v4.1: 1 of 1,611,420 alleles (0.000062%); highest among the groups gnomAD compares: Non-Finnish European, 0.000085%; no homozygotes.

Submission:

Brotman Baty Institute, University of Washington
No classification provided (evidence only). Condition: Breast-ovarian cancer, familial 1. Review status: no classification provided. Collection method: in vitro. Allele origin: not applicable. Functional consequence: functionally_normal.
ClinVar note: "not provided" was previously submitted as the classification for the variant. However, the classification appeared to be based only on an observation of functional data so it was converted to no classification on 2025-07-30.

NM_007294.4(BRCA1):c.5155G>C (p.Val1719Leu)

Gene: BRCA1 (BRCA1 DNA repair associated; minus strand). Cytogenetic location: 17q21.31.
Variant type: single nucleotide variant.
Coding change: c.5155G>C on transcript NM_007294.4 (MANE Select); coding-DNA position 5155, G replaced by C.
Protein change: p.Val1719Leu; replaces valine 1719 with leucine.
Molecular consequence: missense variant. On other transcripts: non-coding transcript variant (1).
Genome position (GRCh38, 1-based): chr17:43,063,371, C>G on the plus strand (G>C on the coding strand, the complement: BRCA1 is on the minus strand). VCF-style: chr17-43063371-C-G. GRCh37 (hg19) VCF-style: chr17-41215388-C-G.
Other names: c.4942G>C, p.Val1648Leu (NM_001407571.1, NM_001407900.1, NM_001407902.1 and 12 more transcripts); c.5221G>C, p.Val1741Leu (NM_001407581.1, NM_001407582.1); c.5218G>C, p.Val1740Leu (NM_001407583.1, NM_001407585.1, NM_001407587.1 and 1 more transcripts); c.5152G>C, p.Val1718Leu (NM_001407610.1, NM_001407611.1, NM_001407612.1 and 17 more transcripts); c.5149G>C, p.Val1717Leu (NM_001407629.1, NM_001407630.1, NM_001407631.1 and 14 more transcripts); c.5095G>C, p.Val1699Leu (NM_001407649.1); c.5077G>C, p.Val1693Leu (NM_001407652.1, NM_001407653.1, NM_001407654.1 and 1 more transcripts); c.5074G>C, p.Val1692Leu (NM_001407656.1, NM_001407657.1, NM_001407658.1); and 72 more; short protein forms V1740L, V615L, V1672L, V1719L, V1423L, V1550L, V1591L, V1630L.
Identifiers: ClinVar variation 867426 (VCV000867426.3), dbSNP rs749465132, ClinGen allele CA10591232.